The following is an entry in ClinVar:

NM_000081.4(LYST):c.11306C>T (p.Ala3769Val)

Gene: LYST (lysosomal trafficking regulator; minus strand). Cytogenetic location: 1q42.3.
Variant type: single nucleotide variant.
Coding change: c.11306C>T on transcript NM_000081.4 (MANE Select); coding-DNA position 11306, C replaced by T.
Protein change: p.Ala3769Val; replaces alanine 3769 with valine.
Molecular consequence: missense variant.
Genome position (GRCh38, 1-based): chr1:235,663,040, G>A on the plus strand (C>T on the coding strand, the complement: LYST is on the minus strand). VCF-style: chr1-235663040-G-A. GRCh37 (hg19) VCF-style: chr1-235826340-G-A.
Other names: c.11306C>T, p.Ala3769Val (NM_001301365.1); short protein forms A3769V.
Identifiers: ClinVar variation 1026495 (VCV001026495.5), dbSNP rs1310905656, ClinGen allele CA344984302.
Genomic context (GRCh38, chr1:235,663,040, plus strand): 5'-GGCTGTTTCAAGCGCTGCTGGTCCTTCCGACACCAGGCAATCACGGTCCCATCACTGTTT[G>A]CTGTGTACAAATGGTGGCCATCACAAGAAAATGTAAGGCTGTAAAAAAAAAAAAATTCCC-3'
Protein context (NP_000072.2, residues 3759-3779): FSCDGHHLYT[Ala3769Val]NSDGTVIAWC

ClinVar aggregate classification (germline): Uncertain significance (1 of 4 stars; one submission).

Conditions:
Chédiak-Higashi syndrome (CHS). Also called: Chediak-Higashi Syndrome. Identifiers: Orphanet 167, MedGen C0007965, MONDO:0008963, OMIM 214500.

Allele frequency attached by ClinVar (database versions not stated): TOPMed below 0.00001.

Submission:

Labcorp Genetics (formerly Invitae), Labcorp
Classification: Uncertain significance for Chédiak-Higashi syndrome. Last evaluated: 2021-02-18. Review status: criteria provided, single submitter. Criteria: Invitae Variant Classification Sherloc (09022015). Collection method: clinical testing. Allele origin: germline.
Comment: In summary, the available evidence is currently insufficient to determine the role of this variant in disease. Therefore, it has been classified as a Variant of Uncertain Significance. Algorithms developed to predict the effect of missense changes on protein structure and function are either unavailable or do not agree on the potential impact of this missense change (SIFT: "Tolerated"; PolyPhen-2: "Possibly Damaging"; Align-GVGD: "Class C0"). This variant has not been reported in the literature in individuals with LYST-related conditions. This variant is not present in population databases (ExAC no frequency). This sequence change replaces alanine with valine at codon 3769 of the LYST protein (p.Ala3769Val). The alanine residue is moderately conserved and there is a small physicochemical difference between alanine and valine.